The following is an entry in ClinVar:

NM_000064.4(C3):c.659C>T (p.Thr220Ile)

Gene: C3 (complement C3; minus strand). Cytogenetic location: 19p13.3.
Variant type: single nucleotide variant.
Coding change: c.659C>T on transcript NM_000064.4 (MANE Select); coding-DNA position 659, C replaced by T.
Protein change: p.Thr220Ile; replaces threonine 220 with isoleucine.
Molecular consequence: missense variant.
Genome position (GRCh38, 1-based): chr19:6,714,189, G>A on the plus strand (C>T on the coding strand, the complement: C3 is on the minus strand). VCF-style: chr19-6714189-G-A. GRCh37 (hg19) VCF-style: chr19-6714200-G-A.
Other names: short protein forms T220I.
Identifiers: ClinVar variation 1359697 (VCV001359697.6), dbSNP rs1327551887, ClinGen allele CA403643146.

ClinVar aggregate classification (germline): Uncertain significance (1 of 4 stars; one submission).

Allele frequency attached by ClinVar (database versions not stated): TOPMed below 0.00001; gnomAD 0.00002.
gnomAD v4.1: 6 of 1,613,610 alleles (0.00037%); highest among the groups gnomAD compares: Non-Finnish European, 0.00051%; no homozygotes.

Submission:

Labcorp Genetics (formerly Invitae), Labcorp
Classification: Uncertain significance. Last evaluated: 2021-09-02. Review status: criteria provided, single submitter. Criteria: Invitae Variant Classification Sherloc (09022015). Collection method: clinical testing. Allele origin: germline.
Comment: This sequence change replaces threonine with isoleucine at codon 220 of the C3 protein (p.Thr220Ile). The threonine residue is weakly conserved and there is a moderate physicochemical difference between threonine and isoleucine. This variant is not present in population databases (ExAC no frequency). This missense change has been observed in individual(s) with age-related macular degeneration (PMID: 29888403). Algorithms developed to predict the effect of missense changes on protein structure and function are either unavailable or do not agree on the potential impact of this missense change (SIFT: "Deleterious"; PolyPhen-2: "Benign"; Align-GVGD: "Class C15"). In summary, the available evidence is currently insufficient to determine the role of this variant in disease. Therefore, it has been classified as a Variant of Uncertain Significance.

Literature cited by the submitters: PubMed 29888403.